The following is an entry in ClinVar:

ClinVar aggregate classification (germline): Uncertain significance (1 of 4 stars; one submission).

Allele frequency attached by ClinVar (database versions not stated): TOPMed 0.00001; gnomAD exomes below 0.00001.
gnomAD v4.1: 6 of 1,614,214 alleles (0.00037%); highest among the groups gnomAD compares: African/African-American, 0.0027%; no homozygotes.

Submission:

Labcorp Genetics (formerly Invitae), Labcorp
Classification: Uncertain significance. Last evaluated: 2025-12-17. Review status: criteria provided, single submitter. Criteria: Invitae Variant Classification Sherloc (09022015). Collection method: clinical testing. Allele origin: germline.
Comment: This sequence change replaces valine, which is neutral and non-polar, with isoleucine, which is neutral and non-polar, at codon 2099 of the FBN3 protein (p.Val2099Ile). This variant is present in population databases (no rsID available, gnomAD 0.007%). This variant has not been reported in the literature in individuals affected with FBN3-related conditions. ClinVar contains an entry for this variant (Variation ID: 2868686). Invitae Evidence Modeling of protein sequence and biophysical properties (such as structural, functional, and spatial information, amino acid conservation, physicochemical variation, residue mobility, and thermodynamic stability) indicates that this missense variant is not expected to disrupt FBN3 protein function with a negative predictive value of 80%. In summary, the available evidence is currently insufficient to determine the role of this variant in disease. Therefore, it has been classified as a Variant of Uncertain Significance.

NM_032447.5(FBN3):c.6295G>A (p.Val2099Ile)

Gene: FBN3 (fibrillin 3; minus strand). Cytogenetic location: 19p13.2.
Variant type: single nucleotide variant.
Coding change: c.6295G>A on transcript NM_032447.5 (MANE Select); coding-DNA position 6295, G replaced by A.
Protein change: p.Val2099Ile; replaces valine 2099 with isoleucine.
Molecular consequence: missense variant.
Genome position (GRCh38, 1-based): chr19:8,089,626, C>T on the plus strand (G>A on the coding strand, the complement: FBN3 is on the minus strand). VCF-style: chr19-8089626-C-T. GRCh37 (hg19) VCF-style: chr19-8154510-C-T.
Other names: c.6295G>A, p.Val2099Ile (NM_001321431.2); short protein forms V2099I.
Identifiers: ClinVar variation 2868686 (VCV002868686.3), dbSNP rs1290016682, ClinGen allele CA403718177.